The following is an entry in ClinVar:

ClinVar aggregate classification (germline): Pathogenic (1 of 4 stars; one submission).

Conditions:
Vici syndrome (VICIS). Identifiers: Orphanet 1493, MedGen C1855772, MONDO:0009452, OMIM 242840.

Allele frequency attached by ClinVar (database versions not stated): gnomAD exomes below 0.00001; gnomAD 0.00001.
gnomAD v4.1: 2 of 1,609,222 alleles (0.00012%); highest among the groups gnomAD compares: Admixed American, 0.0017%; no homozygotes.

Submission:

Labcorp Genetics (formerly Invitae), Labcorp
Classification: Pathogenic for Vici syndrome. Last evaluated: 2023-12-13. Review status: criteria provided, single submitter. Criteria: Invitae Variant Classification Sherloc (09022015). Collection method: clinical testing. Allele origin: germline.
Comment: This sequence change creates a premature translational stop signal (p.Gln1895*) in the EPG5 gene. It is expected to result in an absent or disrupted protein product. Loss-of-function variants in EPG5 are known to be pathogenic (PMID: 23222957, 23674064). This variant is not present in population databases (gnomAD no frequency). This variant has not been reported in the literature in individuals affected with EPG5-related conditions. Algorithms developed to predict the effect of sequence changes on RNA splicing suggest that this variant may disrupt the consensus splice site. For these reasons, this variant has been classified as Pathogenic.

Literature cited by the submitters: PubMed 23222957; PubMed 23674064.

NM_020964.3(EPG5):c.5683C>T (p.Gln1895Ter)

Gene: EPG5 (ectopic P-granules 5 autophagy tethering factor; minus strand). Cytogenetic location: 18q12.3.
Variant type: single nucleotide variant.
Coding change: c.5683C>T on transcript NM_020964.3 (MANE Select); coding-DNA position 5683, C replaced by T.
Protein change: p.Gln1895Ter; replaces glutamine 1895 with a stop codon.
Molecular consequence: nonsense.
Genome position (GRCh38, 1-based): chr18:45,879,199, G>A on the plus strand (C>T on the coding strand, the complement: EPG5 is on the minus strand). VCF-style: chr18-45879199-G-A. GRCh37 (hg19) VCF-style: chr18-43459164-G-A.
Other names: c.5683C>T, p.Gln1895Ter (NM_001410858.1, NM_001410859.1); short protein forms Q1895*.
Identifiers: ClinVar variation 2702888 (VCV002702888.3), dbSNP rs1896497587, ClinGen allele CA402343143.